The following is an entry in ClinVar:

NM_001077653.2(TBX20):c.400C>T (p.Arg134Trp)

Gene: TBX20 (T-box transcription factor 20; minus strand). Cytogenetic location: 7p14.2.
Variant type: single nucleotide variant.
Coding change: c.400C>T on transcript NM_001077653.2 (MANE Select); coding-DNA position 400, C replaced by T.
Protein change: p.Arg134Trp; replaces arginine 134 with tryptophan.
Molecular consequence: missense variant.
Genome position (GRCh38, 1-based): chr7:35,248,822, G>A on the plus strand (C>T on the coding strand, the complement: TBX20 is on the minus strand). VCF-style: chr7-35248822-G-A. GRCh37 (hg19) VCF-style: chr7-35288434-G-A.
Other names: c.400C>T, p.Arg134Trp (NM_001166220.1); short protein forms R134W.
Identifiers: ClinVar variation 2076192 (VCV002076192.4), dbSNP rs2546996531, ClinGen allele CA367264821.

ClinVar aggregate classification (germline): Uncertain significance. Review status: criteria provided, multiple submitters, no conflicts (2 of 4 stars). 2 submissions from 2 submitters: Uncertain significance (2). Last evaluated 2024-08-13.

Submissions (2):

GeneDx
Classification: Uncertain significance. Last evaluated: 2024-08-13. Review status: criteria provided, single submitter. Criteria: GeneDx Variant Classification Process June 2021. Collection method: clinical testing. Allele origin: germline. Affected: yes.
Comment: Not observed at significant frequency in large population cohorts (gnomAD); In silico analysis supports that this missense variant has a deleterious effect on protein structure/function; Has not been previously published as pathogenic or benign to our knowledge

Labcorp Genetics (formerly Invitae), Labcorp
Classification: Uncertain significance. Last evaluated: 2022-09-06. Review status: criteria provided, single submitter. Criteria: Invitae Variant Classification Sherloc (09022015). Collection method: clinical testing. Allele origin: germline.
Comment: This variant has not been reported in the literature in individuals affected with TBX20-related conditions. This variant is not present in population databases (gnomAD no frequency). This sequence change replaces arginine, which is basic and polar, with tryptophan, which is neutral and slightly polar, at codon 134 of the TBX20 protein (p.Arg134Trp). Algorithms developed to predict the effect of missense changes on protein structure and function (SIFT, PolyPhen-2, Align-GVGD) all suggest that this variant is likely to be disruptive. In summary, the available evidence is currently insufficient to determine the role of this variant in disease. Therefore, it has been classified as a Variant of Uncertain Significance.